The following is an entry in ClinVar:

ClinVar aggregate classification (germline): Benign (1 of 4 stars; one submission).

Submission:

ISCA site 4
Classification: Benign. Last evaluated: 2011-08-12. Review status: criteria provided, single submitter. Criteria: Kaminsky et al. (Genet Med. 2011). Collection method: clinical testing. Allele origin: unknown. Affected: yes. Observed: 1 variant allele.
Comment: Copy number variation identified through the course of routine clinical cytogenomic testing in postnatal populations. Clinical assertions have been curated as described in Kaminsky et al. 2011.

GRCh38/hg38 6p25.3(chr6:259528-439290)x1

Genes: DUSP22 (dual specificity phosphatase 22; plus strand), IRF4 (interferon regulatory factor 4; plus strand), LOC126859546 (BRD4-independent group 4 enhancer GRCh37_chr6:329543-330742; plus strand), LOC129389424 (MPRA-validated peak5616 silencer; plus strand), LOC129389425 (MPRA-validated peak5617 silencer; plus strand) and 47 more. Cytogenetic location: 6p25.3.
Variant type: copy number loss.
Change: copy number 1 (one copy instead of two) of chr6:259,528-439,290 (179.8 kb, GRCh38 coordinates, 1-based), cytogenetic band 6p25.3.
Identifiers: ClinVar variation 57167 (VCV000057167.1).